The following is an entry in ClinVar:

NM_002471.4(MYH6):c.5736G>A (p.Ala1912=)

Gene: MYH6 (myosin heavy chain 6; minus strand). Cytogenetic location: 14q11.2.
Variant type: single nucleotide variant.
Coding change: c.5736G>A on transcript NM_002471.4 (MANE Select); coding-DNA position 5736, G replaced by A.
Protein change: p.Ala1912=; no amino-acid change (alanine 1912 retained).
Molecular consequence: synonymous variant.
Genome position (GRCh38, 1-based): chr14:23,382,488, C>T on the plus strand (G>A on the coding strand, the complement: MYH6 is on the minus strand). VCF-style: chr14-23382488-C-T. GRCh37 (hg19) VCF-style: chr14-23851697-C-T.
Identifiers: ClinVar variation 699740 (VCV000699740.8), dbSNP rs150277296, ClinGen allele CA7114292.
Genomic context (GRCh38, chr14:23,382,488, plus strand): 5'-CTTGGCACCAATGTCACGGCTCTTGGCTCGAAGCTTGTTGACCTGGGACTCAGCGATGTC[C>T]GCCCGCTCCTCTGCCTCATCCAGCTCATGCTGCACCTTGCGGAACTTGGACAGGTTGGTG-3'
Protein context (NP_002462.2, residues 1902-1922): QHELDEAEER[Ala1912=]DIAESQVNKL

ClinVar aggregate classification (germline): Likely benign. Review status: criteria provided, multiple submitters, no conflicts (2 of 4 stars). 3 submissions from 3 submitters: Likely benign (3). Last evaluated 2025-11-12.

Conditions:
MYH6-related disorder. Also called: MYH6-related condition; MYH6-Related Disorders.
Cardiovascular phenotype. Identifiers: MedGen CN230736.
Hypertrophic cardiomyopathy 14. Identifiers: MedGen C2750467, MONDO:0013197, OMIM 613251.

Allele frequency attached by ClinVar (database versions not stated): gnomAD 0.00002 and 0.00003; gnomAD exomes 0.00005 and 0.00008; ESP Exome Variant Server 0.00008; ExAC 0.00009.
gnomAD v4.1: 71 of 1,614,034 alleles (0.0044%); highest among the groups gnomAD compares: South Asian, 0.047%; 2 homozygotes.

Submissions (3):

Labcorp Genetics (formerly Invitae), Labcorp
Classification: Likely benign for Hypertrophic cardiomyopathy 14. Last evaluated: 2025-11-12. Review status: criteria provided, single submitter. Criteria: Invitae Variant Classification Sherloc (09022015). Collection method: clinical testing. Allele origin: germline.

PreventionGenetics, part of Exact Sciences
Classification: Likely benign for MYH6-related condition. Last evaluated: 2025-07-22. Review status: criteria provided, single submitter. Criteria: ACMG Guidelines, 2015. Collection method: clinical testing. Allele origin: germline.
Comment: This variant is classified as likely benign based on ACMG/AMP sequence variant interpretation guidelines (Richards et al. 2015 PMID: 25741868, with internal and published modifications).

Ambry Genetics
Classification: Likely benign for Cardiovascular phenotype. Last evaluated: 2024-12-17. Review status: criteria provided, single submitter. Criteria: Ambry Variant Classification Scheme 2023. Collection method: clinical testing. Allele origin: germline.